The following is an entry in ClinVar:

NM_017415.3(KLHL3):c.966C>T (p.Phe322=)

Gene: KLHL3 (kelch like family member 3; minus strand). Cytogenetic location: 5q31.2.
Variant type: single nucleotide variant.
Coding change: c.966C>T on transcript NM_017415.3 (MANE Select); coding-DNA position 966, C replaced by T.
Protein change: p.Phe322=; no amino-acid change (phenylalanine 322 retained).
Molecular consequence: synonymous variant.
Genome position (GRCh38, 1-based): chr5:137,639,915, G>A on the plus strand (C>T on the coding strand, the complement: KLHL3 is on the minus strand). VCF-style: chr5-137639915-G-A. GRCh37 (hg19) VCF-style: chr5-136975604-G-A.
Other names: c.870C>T, p.Phe290= (NM_001257194.1); c.720C>T, p.Phe240= (NM_001257195.2).
Identifiers: ClinVar variation 907062 (VCV000907062.10), dbSNP rs750511635, ClinGen allele CA3422329.
Genomic context (GRCh38, chr5:137,639,915, plus strand): 5'-CTCACCTGCTCTGCATCTTCTGGAAGGAAGCTCAGCAATCTGATCCCACCGGTCCTCCTC[G>A]AAATCATAGCACTCCACACTGCGGATTGCCTTGGGTGCCTGGCCGCCAACCACAATCATG-3'
Protein context (NP_059111.2, residues 312-332): KAIRSVECYD[Phe322=]EEDRWDQIAE

ClinVar aggregate classification (germline): Likely benign. Review status: criteria provided, multiple submitters, no conflicts (2 of 4 stars). 4 submissions from 4 submitters: Likely benign (4). Last evaluated 2022-10-19.

Conditions:
Pseudohypoaldosteronism type 2D (PHA2D). Also called: FAMILIAL HYPERKALEMIC HYPERTENSION; PSEUDOHYPOALDOSTERONISM, TYPE IID, AUTOSOMAL DOMINANT OR RECESSIVE; Pseudohypoaldosteronism Type IID. Identifiers: Orphanet 300525, Orphanet 757, MedGen C3469605, MONDO:0013781, OMIM 614495.

Allele frequency attached by ClinVar (database versions not stated): gnomAD 0.00002 and 0.00003; TOPMed 0.00005; ExAC 0.00006; gnomAD exomes 0.00007 and 0.00011.
gnomAD v4.1: 171 of 1,613,996 alleles (0.011%); highest among the groups gnomAD compares: Non-Finnish European, 0.013%; no homozygotes.

Submissions (4):

Labcorp Genetics (formerly Invitae), Labcorp
Classification: Likely benign. Last evaluated: 2022-10-19. Review status: criteria provided, single submitter. Criteria: Invitae Variant Classification Sherloc (09022015). Collection method: clinical testing. Allele origin: germline.

Fulgent Genetics
Classification: Likely benign for Pseudohypoaldosteronism type 2D. Last evaluated: 2021-08-05. Review status: criteria provided, single submitter. Criteria: ACMG Guidelines, 2015. Collection method: clinical testing. Allele origin: unknown.

Illumina Laboratory Services, Illumina
Classification: Likely benign for Pseudohypoaldosteronism type 2D. Last evaluated: 2018-01-13. Review status: criteria provided, single submitter. Criteria: ICSL Variant Classification Criteria 13 December 2019. Collection method: clinical testing. Allele origin: germline.
Comment: This variant was observed in the ICSL laboratory as part of a predisposition screen in an ostensibly healthy population. It had not been previously curated by ICSL or reported in the Human Gene Mutation Database (HGMD: prior to June 1st, 2018), and was therefore a candidate for classification through an automated scoring system. Utilizing variant allele frequency, disease prevalence and penetrance estimates, and inheritance mode, an automated score was calculated to assess if this variant is too frequent to cause the disease. Based on the score and internal cut-off values, a variant classified as likely benign is not then subjected to further curation. The score for this variant resulted in a classification of likely benign for this disease.

Breakthrough Genomics
Classification: Likely benign. Review status: criteria provided, single submitter. Criteria: ACMG Guidelines, 2015. Collection method: not provided. Allele origin: germline. Inheritance: Autosomal dominant inheritance. Affected: yes.